The following is an entry in ClinVar:

NM_003482.4(KMT2D):c.2388T>G (p.His796Gln)

Gene: KMT2D (lysine methyltransferase 2D; minus strand). Cytogenetic location: 12q13.12.
Variant type: single nucleotide variant.
Coding change: c.2388T>G on transcript NM_003482.4 (MANE Select); coding-DNA position 2388, T replaced by G.
Protein change: p.His796Gln; replaces histidine 796 with glutamine.
Molecular consequence: missense variant.
Genome position (GRCh38, 1-based): chr12:49,051,295, A>C on the plus strand (T>G on the coding strand, the complement: KMT2D is on the minus strand). VCF-style: chr12-49051295-A-C. GRCh37 (hg19) VCF-style: chr12-49445078-A-C.
Other names: short protein forms H796Q.
Identifiers: ClinVar variation 2834201 (VCV002834201.4), dbSNP rs778804304, ClinGen allele CA6548267.

ClinVar aggregate classification (germline): Likely benign. Review status: criteria provided, single submitter (1 of 4 stars). 2 submissions from 2 submitters: Likely benign (1). 1 of the submissions does not count toward it. Last evaluated 2023-02-03.

Conditions:
KMT2D-related disorder. Also called: KMT2D-Related Disorders.
Kabuki syndrome. Also called: NIIKAWA-KUROKI SYNDROME; Kabuki make-up syndrome. Identifiers: Orphanet 2322, MedGen C0796004, MONDO:0016512.

Allele frequency attached by ClinVar (database versions not stated): gnomAD exomes below 0.00001; ExAC 0.00001.
gnomAD v4.1: 3 of 1,527,584 alleles (0.0002%); highest among the groups gnomAD compares: Non-Finnish European, 0.00026%; no homozygotes.

Submissions (2):

Labcorp Genetics (formerly Invitae), Labcorp
Classification: Likely benign for Kabuki syndrome. Last evaluated: 2023-02-03. Review status: criteria provided, single submitter. Criteria: Invitae Variant Classification Sherloc (09022015). Collection method: clinical testing. Allele origin: germline.

PreventionGenetics, part of Exact Sciences
Classification: Uncertain significance for KMT2D-related condition. Last evaluated: 2024-04-04. Review status: no assertion criteria provided. Collection method: clinical testing. Allele origin: germline. Not counted in ClinVar's aggregate classification.
Comment: The KMT2D c.2388T>G variant is predicted to result in the amino acid substitution p.His796Gln. To our knowledge, this variant has not been reported in the literature. This variant is reported in 0.0010% of alleles in individuals of European (Non-Finnish) descent in gnomAD. At this time, the clinical significance of this variant is uncertain due to the absence of conclusive functional and genetic evidence.